The following is an entry in ClinVar:

ClinVar aggregate classification (germline): Uncertain significance (1 of 4 stars; one submission).

Conditions:
Bardet-Biedl syndrome (BBS). Identifiers: Orphanet 110, MedGen C0752166, MONDO:0015229.

Allele frequency attached by ClinVar (database versions not stated): TOPMed below 0.00001.
gnomAD v4.1: 3 of 1,612,568 alleles (0.00019%); highest among the groups gnomAD compares: East Asian, 0.0067%; no homozygotes.

Submission:

Labcorp Genetics (formerly Invitae), Labcorp
Classification: Uncertain significance for Bardet-Biedl syndrome. Last evaluated: 2022-08-09. Review status: criteria provided, single submitter. Criteria: Invitae Variant Classification Sherloc (09022015). Collection method: clinical testing. Allele origin: germline.
Comment: This sequence change replaces glutamic acid, which is acidic and polar, with valine, which is neutral and non-polar, at codon 506 of the BBS4 protein (p.Glu506Val). This variant is not present in population databases (gnomAD no frequency). This variant has not been reported in the literature in individuals affected with BBS4-related conditions. ClinVar contains an entry for this variant (Variation ID: 1014410). Algorithms developed to predict the effect of missense changes on protein structure and function output the following: SIFT: "Tolerated"; PolyPhen-2: "Benign"; Align-GVGD: "Class C0". The valine amino acid residue is found in multiple mammalian species, which suggests that this missense change does not adversely affect protein function. Algorithms developed to predict the effect of sequence changes on RNA splicing suggest that this variant may create or strengthen a splice site. In summary, the available evidence is currently insufficient to determine the role of this variant in disease. Therefore, it has been classified as a Variant of Uncertain Significance.

NM_033028.5(BBS4):c.1517A>T (p.Glu506Val)

Gene: BBS4 (Bardet-Biedl syndrome 4; plus strand). Cytogenetic location: 15q24.1.
Variant type: single nucleotide variant.
Coding change: c.1517A>T on transcript NM_033028.5 (MANE Select); coding-DNA position 1517, A replaced by T.
Protein change: p.Glu506Val; replaces glutamic acid 506 with valine.
Molecular consequence: missense variant. On other transcripts: non-coding transcript variant (2).
Genome position (GRCh38, 1-based): chr15:72,737,544, A>T. VCF-style: chr15-72737544-A-T. GRCh37 (hg19) VCF-style: chr15-73029885-A-T.
Other names: c.1001A>T, p.Glu334Val (NM_001252678.2); c.1448A>T, p.Glu483Val (NM_001320665.2); short protein forms E334V, E483V, E506V.
Identifiers: ClinVar variation 1014410 (VCV001014410.6), dbSNP rs1278438729, ClinGen allele CA393081268.